The following is an entry in ClinVar:

ClinVar aggregate classification (germline): Uncertain significance (1 of 4 stars; one submission).

Conditions:
Norman-Roberts syndrome (LIS2). Also called: Lissencephaly 2 (Norman-Roberts type). Identifiers: Orphanet 89844, MedGen C0796089, MONDO:0009760, OMIM 257320.
Familial temporal lobe epilepsy 7. Identifiers: Orphanet 101046, MedGen C4225327, MONDO:0014639, OMIM 616436.

Allele frequency attached by ClinVar (database versions not stated): ExAC 0.00001; gnomAD exomes 0.00001.

Submission:

Labcorp Genetics (formerly Invitae), Labcorp
Classification: Uncertain significance for Familial temporal lobe epilepsy 7; Norman-Roberts syndrome. Last evaluated: 2019-03-29. Review status: criteria provided, single submitter. Criteria: Invitae Variant Classification Sherloc (09022015). Collection method: clinical testing. Allele origin: germline.
Comment: This variant has not been reported in the literature in individuals with RELN-related conditions. In summary, the available evidence is currently insufficient to determine the role of this variant in disease. Therefore, it has been classified as a Variant of Uncertain Significance. Algorithms developed to predict the effect of missense changes on protein structure and function are either unavailable or do not agree on the potential impact of this missense change (SIFT: "Deleterious"; PolyPhen-2: "Probably Damaging"; Align-GVGD: "Class C0"). This variant is present in population databases (rs777417208, ExAC 0.002%). This sequence change replaces proline with serine at codon 2680 of the RELN protein (p.Pro2680Ser). The proline residue is moderately conserved and there is a moderate physicochemical difference between proline and serine.

NM_005045.4(RELN):c.8038C>T (p.Pro2680Ser)

Gene: RELN (reelin; minus strand). Cytogenetic location: 7q22.1.
Variant type: single nucleotide variant.
Coding change: c.8038C>T on transcript NM_005045.4 (MANE Select); coding-DNA position 8038, C replaced by T.
Protein change: p.Pro2680Ser; replaces proline 2680 with serine.
Molecular consequence: missense variant.
Genome position (GRCh38, 1-based): chr7:103,515,266, G>A on the plus strand (C>T on the coding strand, the complement: RELN is on the minus strand). VCF-style: chr7-103515266-G-A. GRCh37 (hg19) VCF-style: chr7-103155713-G-A.
Other names: c.8038C>T, p.Pro2680Ser (NM_173054.3); short protein forms P2680S.
Identifiers: ClinVar variation 846547 (VCV000846547.9), dbSNP rs777417208, ClinGen allele CA4420580.